The following is an entry in ClinVar:

NM_001127222.2(CACNA1A):c.2407T>C (p.Trp803Arg)

Gene: CACNA1A (calcium voltage-gated channel subunit alpha1 A; minus strand). Cytogenetic location: 19p13.13.
Variant type: single nucleotide variant.
Coding change: c.2407T>C on transcript NM_001127222.2 (MANE Select); coding-DNA position 2407, T replaced by C.
Protein change: p.Trp803Arg; replaces tryptophan 803 with arginine.
Molecular consequence: missense variant.
Genome position (GRCh38, 1-based): chr19:13,299,226, A>G on the plus strand (T>C on the coding strand, the complement: CACNA1A is on the minus strand). VCF-style: chr19-13299226-A-G. GRCh37 (hg19) VCF-style: chr19-13410040-A-G.
Other names: c.2419T>C, p.Trp807Arg (NM_000068.4, NM_023035.3); c.2410T>C, p.Trp804Arg (NM_001127221.2, NM_001174080.2); short protein forms W803R, W804R, W807R.
Identifiers: ClinVar variation 1922493 (VCV001922493.5), dbSNP rs373107804, ClinGen allele CA9240556.

ClinVar aggregate classification (germline): Uncertain significance (1 of 4 stars; one submission).

Conditions:
Episodic ataxia type 2 (EA2). Also called: ACETAZOLAMIDE-RESPONSIVE HEREDITARY PAROXYSMAL CEREBELLAR ATAXIA; ATAXIA, EPISODIC, WITH NYSTAGMUS; ATAXIA, FAMILIAL PAROXYSMAL; CEREBELLAR ATAXIA, PAROXYSMAL, ACETAZOLAMIDE-RESPONSIVE; CEREBELLOPATHY, HEREDITARY PAROXYSMAL; EPISODIC ATAXIA, NYSTAGMUS-ASSOCIATED. Identifiers: Orphanet 97, MedGen C1720416, MONDO:0007163, OMIM 108500.
Developmental and epileptic encephalopathy, 42 (DEE42A). Also called: Epileptic encephalopathy, early infantile, 42; EPILEPTIC ENCEPHALOPATHY, EARLY INFANTILE, 42A; DEVELOPMENTAL AND EPILEPTIC ENCEPHALOPATHY 42A. Identifiers: MedGen C4310716, MONDO:0014917, OMIM 617106.

Allele frequency attached by ClinVar (database versions not stated): ExAC 0.00001.
gnomAD v4.1: 3 of 1,610,824 alleles (0.00019%); highest among the groups gnomAD compares: South Asian, 0.0011%; no homozygotes.

Submission:

Labcorp Genetics (formerly Invitae), Labcorp
Classification: Uncertain significance for Developmental and epileptic encephalopathy, 42; Episodic ataxia type 2. Last evaluated: 2022-08-21. Review status: criteria provided, single submitter. Criteria: Invitae Variant Classification Sherloc (09022015). Collection method: clinical testing. Allele origin: germline.
Comment: In summary, the available evidence is currently insufficient to determine the role of this variant in disease. Therefore, it has been classified as a Variant of Uncertain Significance. Advanced modeling of protein sequence and biophysical properties (such as structural, functional, and spatial information, amino acid conservation, physicochemical variation, residue mobility, and thermodynamic stability) performed at Invitae indicates that this missense variant is not expected to disrupt CACNA1A protein function. This variant has not been reported in the literature in individuals affected with CACNA1A-related conditions. This variant is present in population databases (rs373107804, gnomAD 0.003%). This sequence change replaces tryptophan, which is neutral and slightly polar, with arginine, which is basic and polar, at codon 804 of the CACNA1A protein (p.Trp804Arg).